The following is an entry in ClinVar:

ClinVar aggregate classification (germline): Conflicting classifications of pathogenicity. Review status: criteria provided, conflicting classifications (1 of 4 stars). 5 submissions from 5 submitters: Uncertain significance (3); Likely benign (2). Last evaluated 2026-03-06.

Conditions:
DDR2-related disorder. Also called: DDR2-related condition.
Spondyloepimetaphyseal dysplasia-short limb-abnormal calcification syndrome (SMED-SL). Also called: Spondylometaepiphyseal dysplasia, short limb-hand type; SMED, TYPE II; SMED-SL/AC; SMED short limb-hand type; SMED type 2; Spondylometaepiphyseal dysplasia short limb-abnormal calcification type. Identifiers: Orphanet 93358, MedGen C1849011, MONDO:0010077, OMIM 271665.

Allele frequency attached by ClinVar (database versions not stated): gnomAD 0.00009 and 0.00015; TOPMed 0.00027; 1000 Genomes Project 0.00040; 1000 Genomes Project 30x 0.00047; gnomAD exomes 0.00060; ExAC 0.00069.
gnomAD v4.1: 281 of 1,613,940 alleles (0.017%); highest among the groups gnomAD compares: Admixed American, 0.16%; no homozygotes.

Submissions (5):

PreventionGenetics, part of Exact Sciences
Classification: Likely benign for DDR2-related condition. Last evaluated: 2026-03-06. Review status: criteria provided, single submitter. Criteria: ACMG Guidelines, 2015. Collection method: clinical testing. Allele origin: germline.
Comment: This variant is classified as likely benign based on ACMG/AMP sequence variant interpretation guidelines (Richards et al. 2015 PMID: 25741868, with internal and published modifications).

Labcorp Genetics (formerly Invitae), Labcorp
Classification: Likely benign. Last evaluated: 2025-12-10. Review status: criteria provided, single submitter. Criteria: Invitae Variant Classification Sherloc (09022015). Collection method: clinical testing. Allele origin: germline.

Genomic Medicine Center of Excellence, King Faisal Specialist Hospital and Research Centre
Classification: Uncertain significance for Spondyloepimetaphyseal dysplasia-short limb-abnormal calcification syndrome. Last evaluated: 2024-12-19. Review status: criteria provided, single submitter. Criteria: ACMG Guidelines, 2015. Collection method: clinical testing. Allele origin: germline.

Baylor Genetics
Classification: Uncertain significance for Spondyloepimetaphyseal dysplasia-short limb-abnormal calcification syndrome. Last evaluated: 2020-12-18. Review status: criteria provided, single submitter. Criteria: ACMG Guidelines, 2015. Collection method: clinical testing. Allele origin: unknown. Affected: yes.
Comment: This variant was determined to be of uncertain significance according to ACMG Guidelines, 2015 [PMID:25741868].

Genomic Research Center, Shahid Beheshti University of Medical Sciences
Classification: Uncertain significance for Spondylometaepiphyseal dysplasia short limb-hand type. Last evaluated: 2018-08-07. Review status: criteria provided, single submitter. Criteria: ACMG Guidelines, 2015. Collection method: clinical testing. Allele origin: inherited. Affected: yes. Observed: 1 variant allele.

NM_006182.4(DDR2):c.508A>T (p.Thr170Ser)

Gene: DDR2 (discoidin domain receptor tyrosine kinase 2; plus strand). Cytogenetic location: 1q23.3.
Variant type: single nucleotide variant.
Coding change: c.508A>T on transcript NM_006182.4 (MANE Select); coding-DNA position 508, A replaced by T.
Protein change: p.Thr170Ser; replaces threonine 170 with serine.
Molecular consequence: missense variant.
Genome position (GRCh38, 1-based): chr1:162,755,246, A>T. VCF-style: chr1-162755246-A-T. GRCh37 (hg19) VCF-style: chr1-162725036-A-T.
Other names: c.508A>T, p.Thr170Ser (LRG_1390t1, NM_001014796.3, NM_001354982.2 and 1 more transcripts); short protein forms T170S.
Identifiers: ClinVar variation 587431 (VCV000587431.15), dbSNP rs201573606, ClinGen allele CA1217261.
Genomic context (GRCh38, chr1:162,755,246, plus strand): 5'-ATTTTCCTAAAGGACTTGGAGCCGCCCATTGTAGCCAGATTTGTCCGGTTCATTCCAGTC[A>T]CCGACCACTCCATGAATGTGTGTATGAGAGTGGAGCTTTACGGCTGTGTCTGGCTAGGTA-3'
Protein context (NP_006173.2, residues 160-180): VARFVRFIPV[Thr170Ser]DHSMNVCMRV